The following is an entry in ClinVar:

ClinVar aggregate classification (germline): Uncertain significance (1 of 4 stars; one submission).

Conditions:
GM3 synthase deficiency (SPDRS). Also called: SALT AND PEPPER MENTAL RETARDATION SYNDROME; SALT AND PEPPER DEVELOPMENTAL REGRESSION SYNDROME; AMISH INFANTILE EPILEPSY SYNDROME. Identifiers: Orphanet 171714, Orphanet 370933, MedGen C1836824, MONDO:0018274, OMIM 609056.

Allele frequency attached by ClinVar (database versions not stated): gnomAD 0.00001; TOPMed 0.00001; ExAC 0.00002; ESP Exome Variant Server 0.00008.
gnomAD v4.1: 13 of 1,613,770 alleles (0.00081%); highest among the groups gnomAD compares: Non-Finnish European, 0.0011%; no homozygotes.

Submission:

Labcorp Genetics (formerly Invitae), Labcorp
Classification: Uncertain significance for GM3 synthase deficiency. Last evaluated: 2020-10-29. Review status: criteria provided, single submitter. Criteria: Invitae Variant Classification Sherloc (09022015). Collection method: clinical testing. Allele origin: germline.
Comment: In summary, the available evidence is currently insufficient to determine the role of this variant in disease. Therefore, it has been classified as a Variant of Uncertain Significance. Algorithms developed to predict the effect of missense changes on protein structure and function (SIFT, PolyPhen-2, Align-GVGD) all suggest that this variant is likely to be disruptive, but these predictions have not been confirmed by published functional studies and their clinical significance is uncertain. This variant has not been reported in the literature in individuals with ST3GAL5-related conditions. This variant is present in population databases (rs367638648, ExAC 0.003%). This sequence change replaces glycine with cysteine at codon 342 of the ST3GAL5 protein (p.Gly342Cys). The glycine residue is highly conserved and there is a large physicochemical difference between glycine and cysteine.

NM_003896.4(ST3GAL5):c.1024G>T (p.Gly342Cys)

Gene: ST3GAL5 (ST3 beta-galactoside alpha-2,3-sialyltransferase 5; minus strand). Cytogenetic location: 2p11.2.
Variant type: single nucleotide variant.
Coding change: c.1024G>T on transcript NM_003896.4 (MANE Select); coding-DNA position 1024, G replaced by T.
Protein change: p.Gly342Cys; replaces glycine 342 with cysteine.
Molecular consequence: missense variant.
Genome position (GRCh38, 1-based): chr2:85,840,377, C>A on the plus strand (G>T on the coding strand, the complement: ST3GAL5 is on the minus strand). VCF-style: chr2-85840377-C-A. GRCh37 (hg19) VCF-style: chr2-86067500-C-A.
Other names: c.955G>T, p.Gly319Cys (NM_001042437.2); c.640G>T, p.Gly214Cys (NM_001354223.2, NM_001354224.2, NM_001354226.2 and 3 more transcripts); c.940G>T, p.Gly314Cys (NM_001354227.2, NM_001354229.2, NM_001354238.1); c.301G>T, p.Gly101Cys (NM_001354247.1); c.865G>T, p.Gly289Cys (NM_001363847.1); short protein forms G101C, G314C, G342C, G289C, G319C, G214C.
Identifiers: ClinVar variation 1485119 (VCV001485119.8), dbSNP rs367638648, ClinGen allele CA1744895.
Genomic context (GRCh38, chr2:85,840,377, plus strand): 5'-CAAAACCCGCCAAACTGACTTCATCGCACAGATGTGTGGCTAAGACAACGGCAATGACAC[C>A]GATTGTGGGGACGTTCTGAGAAAGGGAAAAGAAGACCAAAAAGTAAAAAAAAATTTTGGC-3'
Protein context (NP_003887.3, residues 332-352): WGRDKNVPTI[Gly342Cys]VIAVVLATHL